The following is an entry in ClinVar:

NM_004667.6(HERC2):c.2774C>T (p.Pro925Leu)

Gene: HERC2 (HECT and RLD domain containing E3 ubiquitin protein ligase 2; minus strand). Cytogenetic location: 15q13.1.
Variant type: single nucleotide variant.
Coding change: c.2774C>T on transcript NM_004667.6 (MANE Select); coding-DNA position 2774, C replaced by T.
Protein change: p.Pro925Leu; replaces proline 925 with leucine.
Molecular consequence: missense variant.
Genome position (GRCh38, 1-based): chr15:28,255,969, G>A on the plus strand (C>T on the coding strand, the complement: HERC2 is on the minus strand). VCF-style: chr15-28255969-G-A. GRCh37 (hg19) VCF-style: chr15-28501115-G-A.
Other names: short protein forms P925L.
Identifiers: ClinVar variation 1320360 (VCV001320360.2), dbSNP rs2140894587, ClinGen allele CA391394253.

ClinVar aggregate classification (germline): Uncertain significance (1 of 4 stars; one submission).

Allele frequency attached by ClinVar (database versions not stated): gnomAD exomes below 0.00001.

Submission:

GeneDx
Classification: Uncertain significance. Last evaluated: 2020-07-17. Review status: criteria provided, single submitter. Criteria: GeneDx Variant Classification Process June 2021. Collection method: clinical testing. Allele origin: germline. Affected: yes.
Comment: Not observed in large population cohorts (Lek et al., 2016); In silico analysis supports that this missense variant does not alter protein structure/function; Has not been previously published as pathogenic or benign to our knowledge